The following is an entry in ClinVar:

NM_080473.5(GATA5):c.1168G>A (p.Ala390Thr)

Gene: GATA5 (GATA binding protein 5; minus strand). Cytogenetic location: 20q13.33.
Variant type: single nucleotide variant.
Coding change: c.1168G>A on transcript NM_080473.5 (MANE Select); coding-DNA position 1168, G replaced by A.
Protein change: p.Ala390Thr; replaces alanine 390 with threonine.
Molecular consequence: missense variant.
Genome position (GRCh38, 1-based): chr20:62,464,862, C>T on the plus strand (G>A on the coding strand, the complement: GATA5 is on the minus strand). VCF-style: chr20-62464862-C-T. GRCh37 (hg19) VCF-style: chr20-61039918-C-T.
Other names: short protein forms A390T.
Identifiers: ClinVar variation 3908033 (VCV003908033.1).

ClinVar aggregate classification (germline): Uncertain significance (1 of 4 stars; one submission).

Submission:

GeneDx
Classification: Uncertain significance. Last evaluated: 2024-12-26. Review status: criteria provided, single submitter. Criteria: GeneDx Variant Classification Process June 2021. Collection method: clinical testing. Allele origin: germline. Affected: yes.
Comment: Not observed at significant frequency in large population cohorts (gnomAD); In silico analysis indicates that this missense variant does not alter protein structure/function; Has not been previously published as pathogenic or benign to our knowledge